The following is an entry in ClinVar:

ClinVar aggregate classification (germline): Uncertain significance (1 of 4 stars; one submission).

gnomAD v4.1: 31 of 1,613,004 alleles (0.0019%); highest among the groups gnomAD compares: Middle Eastern, 0.066%; no homozygotes.

Submission:

Mayo Clinic Laboratories, Mayo Clinic
Classification: Uncertain significance. Last evaluated: 2025-07-22. Review status: criteria provided, single submitter. Criteria: ACMG Guidelines, 2015. Collection method: clinical testing. Allele origin: germline. Observed: 1 variant allele.
Comment: BP4

NM_001372.4(DNAH9):c.12634G>A (p.Gly4212Arg)

Gene: DNAH9 (dynein axonemal heavy chain 9; plus strand). Cytogenetic location: 17p12.
Variant type: single nucleotide variant.
Coding change: c.12634G>A on transcript NM_001372.4 (MANE Select); coding-DNA position 12634, G replaced by A.
Protein change: p.Gly4212Arg; replaces glycine 4212 with arginine.
Molecular consequence: missense variant.
Genome position (GRCh38, 1-based): chr17:11,937,496, G>A. VCF-style: chr17-11937496-G-A. GRCh37 (hg19) VCF-style: chr17-11840813-G-A.
Other names: p.Gly4212Arg; c.1570G>A, p.Gly524Arg (NM_004662.2); short protein forms G524R, G4212R.
Identifiers: ClinVar variation 4542127 (VCV004542127.1).
Genomic context (GRCh38, chr17:11,937,496, plus strand): 5'-TCAGAAAAGCTCTTCCGCACTGTGCTGGAGCTGCAGCCTCGGGACAGCCAGGCCAGAGAC[G>A]GAGCGGGCGCCACAAGAGAAGAAAAGGTGTGTGTGGTGGGGACTGCCTGAGGTCGTTCTG-3'
Protein context (NP_001363.2, residues 4202-4222): LQPRDSQARD[Gly4212Arg]AGATREEKVK